The following is an entry in ClinVar:

ClinVar aggregate classification (germline): Pathogenic (1 of 4 stars; one submission).

Conditions:
Cardiovascular phenotype. Identifiers: MedGen CN230736.

Submission:

Ambry Genetics
Classification: Pathogenic for Cardiovascular phenotype. Last evaluated: 2026-05-05. Review status: criteria provided, single submitter. Criteria: Ambry Variant Classification Scheme 2023. Collection method: clinical testing. Allele origin: germline.
Comment: The c.891delT pathogenic mutation, located in coding exon 6 of the ACVRL1 gene, results from a deletion of one nucleotide at nucleotide position 891, causing a translational frameshift with a predicted alternate stop codon (p.L298Wfs*3). This variant was reported in individual(s) with features consistent with hereditary hemorrhagic telangiectasia (Ambry internal data). This variant is considered to be rare based on population cohorts in the Genome Aggregation Database (gnomAD). This alteration is expected to result in loss of function by premature protein truncation or nonsense-mediated mRNA decay. As such, this alteration is interpreted as a disease-causing mutation.

NM_000020.3(ACVRL1):c.891del (p.Leu298fs)

Gene: ACVRL1 (activin A receptor like type 1; plus strand). Cytogenetic location: 12q13.13.
Variant type: Deletion.
Coding change: c.891del on transcript NM_000020.3 (MANE Select); coding-DNA position 891, one base deleted (T; older notation c.891delT).
Protein change: p.Leu298fs; shifts the reading frame from leucine 298.
Molecular consequence: frameshift variant.
Genome position (GRCh38, 1-based): chr12:51,915,343, T deleted. VCF-style (leftmost placement, unchanged base first): chr12-51915342-AT-A. GRCh37 (hg19) VCF-style: chr12-52309126-AT-A.
Other names: c.891del, p.Leu298fs (NM_001077401.2, NM_001406487.1, NM_001406488.1 and 1 more transcripts); c.579del, p.Leu194fs (NM_001406490.1, NM_001406491.1, NM_001406492.1 and 2 more transcripts); c.327del, p.Leu110fs (NM_001406495.1); short protein forms L110fs, L194fs, L298fs.
Identifiers: ClinVar variation 4867581 (VCV004867581.1).